The following is an entry in ClinVar:

ClinVar aggregate classification (germline): Likely benign (1 of 4 stars; one submission).

gnomAD v4.1: 3 of 1,613,292 alleles (0.00019%); highest among the groups gnomAD compares: South Asian, 0.0022%; no homozygotes.

Submission:

CeGaT Center for Human Genetics Tuebingen
Classification: Likely benign. Last evaluated: 2025-12-01. Review status: criteria provided, single submitter. Criteria: CeGaT Center For Human Genetics Tuebingen Variant Classification Criteria Version 2. Collection method: clinical testing. Allele origin: germline. Affected: yes. Observed: 1 variant allele.
Comment: RBP5: BP4, BP7

NM_031491.4(RBP5):c.231C>T (p.Ser77=)

Gene: RBP5 (retinol binding protein 5; minus strand). Cytogenetic location: 12p13.31.
Variant type: single nucleotide variant.
Coding change: c.231C>T on transcript NM_031491.4 (MANE Select); coding-DNA position 231, C replaced by T.
Protein change: p.Ser77=; no amino-acid change (serine 77 retained).
Molecular consequence: synonymous variant.
Genome position (GRCh38, 1-based): chr12:7,128,261, G>A on the plus strand (C>T on the coding strand, the complement: RBP5 is on the minus strand). VCF-style: chr12-7128261-G-A. GRCh37 (hg19) VCF-style: chr12-7280857-G-A.
Other names: c.84C>T, p.Ser28= (NM_001329454.2).
Identifiers: ClinVar variation 4681703 (VCV004681703.5).